The following is an entry in ClinVar:

NM_000530.8(MPZ):c.350T>G (p.Leu117Arg)

Gene: MPZ (myelin protein zero; minus strand). Cytogenetic location: 1q23.3.
Variant type: single nucleotide variant.
Coding change: c.350T>G on transcript NM_000530.8 (MANE Select); coding-DNA position 350, T replaced by G.
Protein change: p.Leu117Arg; replaces leucine 117 with arginine.
Molecular consequence: missense variant.
Genome position (GRCh38, 1-based): chr1:161,306,806, A>C on the plus strand (T>G on the coding strand, the complement: MPZ is on the minus strand). VCF-style: chr1-161306806-A-C. GRCh37 (hg19) VCF-style: chr1-161276596-A-C.
Other names: c.350T>G, p.Leu117Arg (NM_001315491.2); short protein forms L117R.
Identifiers: ClinVar variation 1346848 (VCV001346848.8), dbSNP rs2102258946, ClinGen allele CA343349194.

ClinVar aggregate classification (germline): Uncertain significance (1 of 4 stars; one submission).

Conditions:
Charcot-Marie-Tooth disease, type I (CMT1). Also called: Charcot-Marie-Tooth, Type 1; Charcot-Marie-Tooth disease type 1. Identifiers: Orphanet 65753, MedGen C0751036, MONDO:0019011.

Allele frequency attached by ClinVar (database versions not stated): gnomAD exomes below 0.00001.
gnomAD v4.1: 1 of 1,614,004 alleles (0.000062%); highest among the groups gnomAD compares: Non-Finnish European, 0.000085%; no homozygotes.

Submission:

Labcorp Genetics (formerly Invitae), Labcorp
Classification: Uncertain significance for Charcot-Marie-Tooth disease, type I. Last evaluated: 2021-06-16. Review status: criteria provided, single submitter. Criteria: Invitae Variant Classification Sherloc (09022015). Collection method: clinical testing. Allele origin: germline.
Comment: This sequence change replaces leucine with arginine at codon 117 of the MPZ protein (p.Leu117Arg). The leucine residue is highly conserved and there is a moderate physicochemical difference between leucine and arginine. This variant is not present in population databases (ExAC no frequency). This variant has not been reported in the literature in individuals with MPZ-related conditions. Algorithms developed to predict the effect of missense changes on protein structure and function are either unavailable or do not agree on the potential impact of this missense change (SIFT: "Deleterious"; PolyPhen-2: "Benign"; Align-GVGD: "Class C65"). In summary, the available evidence is currently insufficient to determine the role of this variant in disease. Therefore, it has been classified as a Variant of Uncertain Significance.